The following is an entry in ClinVar:

NM_022356.4(P3H1):c.2053C>T (p.Arg685Trp)

Gene: P3H1 (prolyl 3-hydroxylase 1; minus strand). Cytogenetic location: 1p34.2.
Variant type: single nucleotide variant.
Coding change: c.2053C>T on transcript NM_022356.4 (MANE Select); coding-DNA position 2053, C replaced by T.
Protein change: p.Arg685Trp; replaces arginine 685 with tryptophan.
Molecular consequence: missense variant.
Genome position (GRCh38, 1-based): chr1:42,747,274, G>A on the plus strand (C>T on the coding strand, the complement: P3H1 is on the minus strand). VCF-style: chr1-42747274-G-A. GRCh37 (hg19) VCF-style: chr1-43212945-G-A.
Other names: c.2053C>T (NM_022356.3); c.2053C>T, p.Arg685Trp (NM_001146289.2, NM_001243246.2); short protein forms R685W.
Identifiers: ClinVar variation 1424220 (VCV001424220.7), dbSNP rs774693500, ClinGen allele CA801614.

ClinVar aggregate classification (germline): Uncertain significance. Review status: criteria provided, multiple submitters, no conflicts (2 of 4 stars). 3 submissions from 3 submitters: Uncertain significance (3). Last evaluated 2023-04-28.

Conditions:
Inborn genetic diseases. Identifiers: MedGen C0950123, MeSH D030342.
Osteogenesis imperfecta type 8 (OI8). Identifiers: MedGen C1970458, MONDO:0012581, OMIM 610915.

Allele frequency attached by ClinVar (database versions not stated): gnomAD exomes 0.00002; ExAC 0.00003.
gnomAD v4.1: 33 of 1,613,868 alleles (0.002%); highest among the groups gnomAD compares: Middle Eastern, 0.033%; no homozygotes.

Submissions (3):

Ambry Genetics
Classification: Uncertain significance for Inborn genetic diseases. Last evaluated: 2023-04-28. Review status: criteria provided, single submitter. Criteria: Ambry Variant Classification Scheme 2023. Collection method: clinical testing. Allele origin: germline.

Genome-Nilou Lab
Classification: Uncertain significance for Osteogenesis imperfecta type 8. Last evaluated: 2023-04-11. Review status: criteria provided, single submitter. Criteria: ACMG Guidelines, 2015. Collection method: clinical testing. Allele origin: germline. Affected: no.

Labcorp Genetics (formerly Invitae), Labcorp
Classification: Uncertain significance for Osteogenesis imperfecta type 8. Last evaluated: 2022-06-10. Review status: criteria provided, single submitter. Criteria: Invitae Variant Classification Sherloc (09022015). Collection method: clinical testing. Allele origin: germline.
Comment: This sequence change replaces arginine, which is basic and polar, with tryptophan, which is neutral and slightly polar, at codon 685 of the P3H1 protein (p.Arg685Trp). This variant is present in population databases (rs774693500, gnomAD 0.004%). This variant has not been reported in the literature in individuals affected with P3H1-related conditions. Algorithms developed to predict the effect of missense changes on protein structure and function are either unavailable or do not agree on the potential impact of this missense change (SIFT: "Deleterious"; PolyPhen-2: "Possibly Damaging"; Align-GVGD: "Class C0"). Algorithms developed to predict the effect of sequence changes on RNA splicing suggest that this variant may create or strengthen a splice site. In summary, the available evidence is currently insufficient to determine the role of this variant in disease. Therefore, it has been classified as a Variant of Uncertain Significance.